The following is an entry in ClinVar:

NM_001011.4(RPS7):c.556A>G (p.Asn186Asp)

Gene: RPS7 (ribosomal protein S7; plus strand). Cytogenetic location: 2p25.3.
Variant type: single nucleotide variant.
Coding change: c.556A>G on transcript NM_001011.4 (MANE Select); coding-DNA position 556, A replaced by G.
Protein change: p.Asn186Asp; replaces asparagine 186 with aspartic acid.
Molecular consequence: missense variant.
Genome position (GRCh38, 1-based): chr2:3,580,853, A>G. VCF-style: chr2-3580853-A-G. GRCh37 (hg19) VCF-style: chr2-3628443-A-G.
Other names: c.556A>G (NM_001011.3); short protein forms N186D.
Identifiers: ClinVar variation 4746349 (VCV004746349.1).

ClinVar aggregate classification (germline): Uncertain significance. Review status: criteria provided, multiple submitters, no conflicts (2 of 4 stars). 2 submissions from 2 submitters: Uncertain significance (2). Last evaluated 2025-08-05.

Conditions:
Diamond-Blackfan anemia 8 (DBA8). Also called: RPS7-Related Diamond-Blackfan Anemia. Identifiers: Orphanet 124, MedGen C2675511, MONDO:0012939, OMIM 612563.

Submissions (2):

GeneDx
Classification: Uncertain significance. Last evaluated: 2025-08-05. Review status: criteria provided, single submitter. Criteria: GeneDx Variant Classification Process June 2021. Collection method: clinical testing. Allele origin: germline. Affected: yes.
Comment: Not observed at significant frequency in large population cohorts (gnomAD); In silico analysis suggests that this missense variant does not alter protein structure/function; Has not been previously published as pathogenic or benign to our knowledge

Labcorp Genetics (formerly Invitae), Labcorp
Classification: Uncertain significance for Diamond-Blackfan anemia 8. Last evaluated: 2025-07-30. Review status: criteria provided, single submitter. Criteria: Invitae Variant Classification Sherloc (09022015). Collection method: clinical testing. Allele origin: germline.
Comment: This sequence change replaces asparagine, which is neutral and polar, with aspartic acid, which is acidic and polar, at codon 186 of the RPS7 protein (p.Asn186Asp). This variant is not present in population databases (gnomAD no frequency). This variant has not been reported in the literature in individuals affected with RPS7-related conditions. An algorithm developed to predict the effect of missense changes on protein structure and function (PolyPhen-2) suggests that this variant is likely to be tolerated. In summary, the available evidence is currently insufficient to determine the role of this variant in disease. Therefore, it has been classified as a Variant of Uncertain Significance.